The following is an entry in ClinVar:

ClinVar aggregate classification (germline): Conflicting classifications of pathogenicity. Review status: criteria provided, conflicting classifications (1 of 4 stars). 3 submissions from 3 submitters: Uncertain significance (2); Likely benign (1). Last evaluated 2025-07-07.

Conditions:
Interstitial lung disease due to ABCA3 deficiency. Also called: PULMONARY ALVEOLAR PROTEINOSIS, CONGENITAL, 3. Identifiers: Orphanet 440402, MedGen C1970456, MONDO:0012582, OMIM 610921.
Hereditary pulmonary alveolar proteinosis. Also called: Pulmonary surfactant metabolism dysfunction. Identifiers: Orphanet 264675, MedGen C3711368, MONDO:0012580.

Allele frequency attached by ClinVar (database versions not stated): gnomAD 0.00007; ExAC 0.00012; TOPMed 0.00015; gnomAD exomes 0.00019.
gnomAD v4.1: 77 of 1,613,992 alleles (0.0048%); highest among the groups gnomAD compares: Admixed American, 0.082%; no homozygotes.

Submissions (3):

Ambry Genetics
Classification: Likely benign for Hereditary pulmonary alveolar proteinosis. Last evaluated: 2025-07-07. Review status: criteria provided, single submitter. Criteria: Ambry Variant Classification Scheme 2023. Collection method: clinical testing. Allele origin: germline.

Labcorp Genetics (formerly Invitae), Labcorp
Classification: Uncertain significance. Last evaluated: 2024-12-02. Review status: criteria provided, single submitter. Criteria: Invitae Variant Classification Sherloc (09022015). Collection method: clinical testing. Allele origin: germline.
Comment: This sequence change replaces arginine, which is basic and polar, with glutamine, which is neutral and polar, at codon 220 of the ABCA3 protein (p.Arg220Gln). This variant is present in population databases (rs769805747, gnomAD 0.1%). This variant has not been reported in the literature in individuals affected with ABCA3-related conditions. ClinVar contains an entry for this variant (Variation ID: 318569). Invitae Evidence Modeling of protein sequence and biophysical properties (such as structural, functional, and spatial information, amino acid conservation, physicochemical variation, residue mobility, and thermodynamic stability) indicates that this missense variant is not expected to disrupt ABCA3 protein function with a negative predictive value of 80%. In summary, the available evidence is currently insufficient to determine the role of this variant in disease. Therefore, it has been classified as a Variant of Uncertain Significance.

Illumina Laboratory Services, Illumina
Classification: Uncertain significance for Interstitial lung disease due to ABCA3 deficiency. Last evaluated: 2018-01-13. Review status: criteria provided, single submitter. Criteria: ICSL Variant Classification Criteria 13 December 2019. Collection method: clinical testing. Allele origin: germline.

NM_001089.3(ABCA3):c.659G>A (p.Arg220Gln)

Gene: ABCA3 (ATP binding cassette subfamily A member 3; minus strand). Cytogenetic location: 16p13.3.
Variant type: single nucleotide variant.
Coding change: c.659G>A on transcript NM_001089.3 (MANE Select); coding-DNA position 659, G replaced by A.
Protein change: p.Arg220Gln; replaces arginine 220 with glutamine.
Molecular consequence: missense variant.
Genome position (GRCh38, 1-based): chr16:2,319,795, C>T on the plus strand (G>A on the coding strand, the complement: ABCA3 is on the minus strand). VCF-style: chr16-2319795-C-T. GRCh37 (hg19) VCF-style: chr16-2369796-C-T.
Other names: short protein forms R220Q.
Identifiers: ClinVar variation 318569 (VCV000318569.8), dbSNP rs769805747, ClinGen allele CA7841556.